The following is an entry in ClinVar:

ClinVar aggregate classification (germline): Pathogenic (1 of 4 stars; one submission).

Conditions:
BCS1L-related disorder. Also called: BCS1L-related condition; BCS1L-related disorders. Identifiers: MedGen CN239240.

Submission:

Myriad Genetics, Inc.
Classification: Pathogenic for BCS1L-related disorder. Last evaluated: 2025-03-24. Review status: criteria provided, single submitter. Criteria: Myriad Autosomal Dominant, Autosomal Recessive and X-Linked Classification Criteria (2023). Collection method: clinical testing. Allele origin: unknown.
Comment: NM_004328.4(BCS1L):c.801_802dupCC(H268Pfs*4) is expected to be pathogenic in the context of BCS1L-related disorders. This variant is predicted to lead to an abnormal or absent protein product due to the creation of a premature termination codon in BCS1L, a gene where loss-of-function variants are known to be pathogenic. Please note: this variant was assessed in the context of healthy population screening.

NM_001079866.2(BCS1L):c.801_802dup (p.His268fs)

Gene: BCS1L (BCS1 ubiquinol-cytochrome c reductase complex chaperone; plus strand). Cytogenetic location: 2q35.
Variant type: Duplication.
Coding change: c.801_802dup on transcript NM_001079866.2 (MANE Select); coding-DNA positions 801 to 802, 2 bases duplicated (CC; older notation c.801_802dupCC).
Protein change: p.His268fs; shifts the reading frame from histidine 268.
Molecular consequence: frameshift variant. On other transcripts: non-coding transcript variant (1).
Genome position (GRCh38, 1-based): chr2:218,662,591-218,662,592, CC duplicated. VCF-style (leftmost placement, unchanged base first): chr2-218662590-A-ACC. GRCh37 (hg19) VCF-style: chr2-219527313-A-ACC.
Other names: c.801_802dup, p.His268fs (NM_001257342.2, NM_001257343.2, NM_001257344.2 and 10 more transcripts); c.441_442dup, p.His148fs (NM_001318836.2, NM_001371451.1); c.300_301dup, p.His101fs (NM_001371452.1, NM_001371453.1, NM_001371454.1 and 3 more transcripts); short protein forms H101fs, H148fs, H268fs.
Identifiers: ClinVar variation 5014255 (VCV005014255.1).
Genomic context (GRCh38, chr2:218,662,590, plus strand): 5'-TGGAGCACAGCATCTGCCTGCTGAGCCTCACGGACTCCAGCCTCTCTGATGACCGACTCA[A>ACC]CCACCTGCTGAGCGTGGCCCCGCAGCAGAGCCTGGTACTCCTGGAGGATGTGGATGCTGC-3'